The following is an entry in ClinVar:

NM_198578.4(LRRK2):c.2117A>C (p.Asp706Ala)

Gene: LRRK2 (leucine rich repeat kinase 2; plus strand). Cytogenetic location: 12q12.
Variant type: single nucleotide variant.
Coding change: c.2117A>C on transcript NM_198578.4 (MANE Select); coding-DNA position 2117, A replaced by C.
Protein change: p.Asp706Ala; replaces aspartic acid 706 with alanine.
Molecular consequence: missense variant.
Genome position (GRCh38, 1-based): chr12:40,278,137, A>C. VCF-style: chr12-40278137-A-C. GRCh37 (hg19) VCF-style: chr12-40671939-A-C.
Other names: short protein forms D706A.
Identifiers: ClinVar variation 3291939 (VCV003291939.1).

ClinVar aggregate classification (germline): Uncertain significance (1 of 4 stars; one submission).

Conditions:
Inborn genetic diseases. Identifiers: MedGen C0950123, MeSH D030342.

Submission:

Ambry Genetics
Classification: Uncertain significance for Inborn genetic diseases. Last evaluated: 2024-03-28. Review status: criteria provided, single submitter. Criteria: Ambry Variant Classification Scheme 2023. Collection method: clinical testing. Allele origin: germline.
Comment: The p.D706A variant (also known as c.2117A>C), located in coding exon 18 of the LRRK2 gene, results from an A to C substitution at nucleotide position 2117. The aspartic acid at codon 706 is replaced by alanine, an amino acid with dissimilar properties. This amino acid position is conserved. In addition, this alteration is predicted to be tolerated by in silico analysis. Based on the available evidence, the clinical significance of this alteration remains unclear.